The following is an entry in ClinVar:

ClinVar aggregate classification (germline): Pathogenic. Review status: reviewed by expert panel (3 of 4 stars). 2 submissions from 2 submitters: Pathogenic (1). 1 of the submissions does not count toward it. Last evaluated 2016-10-18.

Conditions:
Breast-ovarian cancer, familial, susceptibility to, 2 (BROVCA2). Also called: BRCA2 Hereditary Breast and Ovarian Cancer. Identifiers: Orphanet 145, MedGen C2675520, MONDO:0012933, OMIM 612555. Disease mechanism: loss of function.

Submissions (2):

Evidence-based Network for the Interpretation of Germline Mutant Alleles (ENIGMA)
Classification: Pathogenic for Breast-ovarian cancer, familial, susceptibility to, 2. Last evaluated: 2016-10-18. Review status: reviewed by expert panel. Criteria: ENIGMA BRCA1/2 Classification Criteria (2015). Collection method: curation. Allele origin: germline.
Comment: Variant allele predicted to encode a truncated non-functional protein.

Consortium of Investigators of Modifiers of BRCA1/2 (CIMBA), c/o University of Cambridge
Classification: Pathogenic for Breast-ovarian cancer, familial, susceptibility to, 2. Last evaluated: 2015-10-02. Review status: criteria provided, single submitter. Criteria: CIMBA Mutation Classification guidelines May 2016. Collection method: clinical testing. Allele origin: germline. Not counted in ClinVar's aggregate classification.

NM_000059.4(BRCA2):c.8113dup (p.Ser2705fs)

Gene: BRCA2 (BRCA2 DNA repair associated; plus strand). Cytogenetic location: 13q13.1.
Variant type: Duplication.
Coding change: c.8113dup on transcript NM_000059.4 (MANE Select); coding-DNA position 8113, one base duplicated (A; older notation c.8113dupA).
Protein change: p.Ser2705fs; shifts the reading frame from serine 2705.
Molecular consequence: frameshift variant.
Genome position (GRCh38, 1-based): chr13:32,363,315, A duplicated. VCF-style (leftmost placement, unchanged base first): chr13-32363314-T-TA. GRCh37 (hg19) VCF-style: chr13-32937451-T-TA.
Other names: 8341dupA; short protein forms S2705fs.
Identifiers: ClinVar variation 267055 (VCV000267055.5), dbSNP rs886040746, ClinGen allele CA10589468.
Genomic context (GRCh38, chr13:32,363,314, plus strand): 5'-AACACTTGTTCTCTGTGTTTCTGACATAATTTCATTGAGCGCAAATATATCTGAAACTTC[T>TA]AGCAATAAAACTAGTAGTGCAGATACCCAAAAAGTGGCCATTATTGAACTTACAGATGGG-3'